The following is an entry in ClinVar:

ClinVar aggregate classification (germline): Likely benign (1 of 4 stars; one submission).

gnomAD v4.1: 502 of 1,614,150 alleles (0.031%); highest among the groups gnomAD compares: Middle Eastern, 0.049%; no homozygotes.

Submission:

CeGaT Center for Human Genetics Tuebingen
Classification: Likely benign. Last evaluated: 2026-04-01. Review status: criteria provided, single submitter. Criteria: CeGaT Center For Human Genetics Tuebingen Variant Classification Criteria Version 2. Collection method: clinical testing. Allele origin: germline. Affected: yes. Observed: 1 variant allele.
Comment: ZNF462: BS1

NM_021224.6(ZNF462):c.5382C>G (p.Phe1794Leu)

Gene: ZNF462 (zinc finger protein 462; plus strand). Cytogenetic location: 9q31.2.
Variant type: single nucleotide variant.
Coding change: c.5382C>G on transcript NM_021224.6 (MANE Select); coding-DNA position 5382, C replaced by G.
Protein change: p.Phe1794Leu; replaces phenylalanine 1794 with leucine.
Molecular consequence: missense variant. On other transcripts: intron variant (1).
Genome position (GRCh38, 1-based): chr9:106,929,294, C>G. VCF-style: chr9-106929294-C-G. GRCh37 (hg19) VCF-style: chr9-109691575-C-G.
Other names: c.3253-1231C>G (NM_001347997.2); short protein forms F1794L.
Identifiers: ClinVar variation 4820974 (VCV004820974.4).
Genomic context (GRCh38, chr9:106,929,294, plus strand): 5'-CCAGTCGTTCAGCAAGAAGGGCATCGTGTCCCATTACATGAAACGCCACCCAGGGGTGTT[C>G]CCAAAGAAGCAGCACGCCAGCAAGTTGGGGGGCTACTTCACGGCCGTCTATGCAGATGAG-3'
Protein context (NP_067047.4, residues 1784-1804): SHYMKRHPGV[Phe1794Leu]PKKQHASKLG